The following is an entry in ClinVar:

ClinVar aggregate classification (germline): Pathogenic. Review status: criteria provided, multiple submitters, no conflicts (2 of 4 stars). 5 submissions from 5 submitters: Pathogenic (3). 2 of the submissions do not count toward it. Last evaluated 2024-01-31.

Conditions:
Hereditary cancer-predisposing syndrome. Also called: Neoplastic Syndromes, Hereditary; Hereditary neoplastic syndrome; Hereditary Cancer Syndrome; Tumor predisposition. Identifiers: Orphanet 140162, MedGen C0027672, MeSH D009386, MONDO:0015356.
Familial cancer of breast. Also called: hereditary breast carcinoma; Hereditary breast cancer; BREAST CANCER, FAMILIAL. Identifiers: Orphanet 227535, MedGen C0346153, MONDO:0016419, OMIM 114480. Disease mechanism: loss of function.
Ataxia-telangiectasia syndrome (AT). Also called: Ataxia-telangiectasia, complementation group D; Ataxia-telangiectasia, complementation group E; LOUIS-BAR SYNDROME; AT, COMPLEMENTATION GROUP C; ATAXIA-TELANGIECTASIA, COMPLEMENTATION GROUP A; ATAXIA-TELANGIECTASIA, FRESNO VARIANT. Identifiers: Orphanet 100, MedGen C0004135, MONDO:0008840, OMIM 208900.

Submissions (5):

Myriad Genetics, Inc.
Classification: Pathogenic for Familial cancer of breast. Last evaluated: 2024-01-31. Review status: criteria provided, single submitter. Criteria: Myriad Autosomal Dominant, Autosomal Recessive and X-Linked Classification Criteria (2023). Collection method: clinical testing. Allele origin: unknown.
Comment: This variant is considered pathogenic. This variant creates a frameshift predicted to result in premature protein truncation.

Ambry Genetics
Classification: Pathogenic for Hereditary cancer-predisposing syndrome. Last evaluated: 2023-10-27. Review status: criteria provided, single submitter. Criteria: Ambry Variant Classification Scheme 2023. Collection method: clinical testing. Allele origin: germline.
Comment: The c.7767delA pathogenic mutation, located in coding exon 51 of the ATM gene, results from a deletion of one nucleotide at position 7767 causing a translational frameshift with a predicted alternate stop codon (p.K2589fs*17). In addition to the clinical data presented in the literature, this alteration is expected to result in loss of function by premature protein truncation or nonsense-mediated mRNA decay. As such, this alteration is interpreted as a disease-causing mutation.

Labcorp Genetics (formerly Invitae), Labcorp
Classification: Pathogenic for Ataxia-telangiectasia syndrome. Last evaluated: 2023-09-21. Review status: criteria provided, single submitter. Criteria: Invitae Variant Classification Sherloc (09022015). Collection method: clinical testing. Allele origin: germline.
Comment: This sequence change creates a premature translational stop signal (p.Lys2589Asnfs*17) in the ATM gene. It is expected to result in an absent or disrupted protein product. Loss-of-function variants in ATM are known to be pathogenic (PMID: 23807571, 25614872). This variant is not present in population databases (gnomAD no frequency). This premature translational stop signal has been observed in individual(s) with prostate cancer (PMID: 27433846). ClinVar contains an entry for this variant (Variation ID: 371123). For these reasons, this variant has been classified as Pathogenic.

Natera, Inc.
Classification: Pathogenic for Ataxia-telangiectasia. Last evaluated: 2020-09-16. Review status: no assertion criteria provided. Collection method: clinical testing. Allele origin: germline. Not counted in ClinVar's aggregate classification.

Counsyl
Classification: Likely pathogenic for Ataxia-telangiectasia syndrome. Last evaluated: 2016-07-07. Review status: no assertion criteria provided. Collection method: clinical testing. Allele origin: unknown. Not counted in ClinVar's aggregate classification.

Literature cited by the submitters: PubMed 28898322 (cited by Ambry Genetics); PubMed 23807571 (cited by Labcorp Genetics (formerly Invitae), Labcorp); PubMed 25614872 (cited by Labcorp Genetics (formerly Invitae), Labcorp); PubMed 27433846 (cited by Labcorp Genetics (formerly Invitae), Labcorp).

NM_000051.4(ATM):c.7767del (p.Lys2589fs)

Genes: ATM (ATM serine/threonine kinase; plus strand), C11orf65 (chromosome 11 open reading frame 65; minus strand). Cytogenetic location: 11q22.3.
Variant type: Deletion.
Coding change: c.7767del on transcript NM_000051.4 (MANE Select); coding-DNA position 7767, one base deleted (A; older notation c.7767delA).
Protein change: p.Lys2589fs; shifts the reading frame from lysine 2589.
Molecular consequence: frameshift variant. On other transcripts: intron variant (2).
Genome position (GRCh38, 1-based): chr11:108,332,016, A deleted; the last of 3 consecutive A bases (chr11:108,332,014-108,332,016); deleting any one gives the same sequence. VCF-style (leftmost placement, unchanged base first): chr11-108332013-TA-T. GRCh37 (hg19) VCF-style: chr11-108202740-TA-T.
Other names: c.7767del, p.Lys2589fs (NM_001351834.2); c.641-22943del (NM_001330368.2); c.*38+3206del (NM_001351110.2); short protein forms K2589fs.
Identifiers: ClinVar variation 371123 (VCV000371123.16), dbSNP rs1057517025, ClinGen allele CA16041427.